The following is an entry in ClinVar:

ClinVar aggregate classification (germline): Uncertain significance (1 of 4 stars; one submission).

Submission:

GeneDx
Classification: Uncertain significance. Last evaluated: 2022-06-15. Review status: criteria provided, single submitter. Criteria: GeneDx Variant Classification Process June 2021. Collection method: clinical testing. Allele origin: germline. Affected: yes.
Comment: Not observed at significant frequency in large population cohorts (gnomAD); Frameshift variant predicted to result in protein truncation or nonsense-mediated decay in a gene or region of a gene for which loss of function is not a well-established mechanism of disease; Has not been previously published as pathogenic or benign to our knowledge; Variants in candidate genes are classified as variants of uncertain significance in accordance with ACMG guidelines (Richards et al., 2015)

NM_006885.4(ZFHX3):c.3638del (p.Thr1213fs)

Genes: ZFHX3 (zinc finger homeobox 3; minus strand), ZFHX3-AS1 (ZFHX3 antisense RNA 1; plus strand). Cytogenetic location: 16q22.3.
Variant type: Deletion.
Coding change: c.3638del on transcript NM_006885.4 (MANE Select); coding-DNA position 3638, one base deleted (C; older notation c.3638delC).
Protein change: p.Thr1213fs; shifts the reading frame from threonine 1213.
Molecular consequence: frameshift variant.
Genome position (GRCh38, 1-based): chr16:72,811,930, G deleted on the plus strand (C on the coding strand, the reverse complement: ZFHX3 is on the minus strand). VCF-style (leftmost placement, unchanged base first): chr16-72811929-TG-T. GRCh37 (hg19) VCF-style: chr16-72845828-TG-T.
Other names: c.896del, p.Thr299fs (NM_001164766.2); c.3638del, p.Thr1213fs (NM_001386735.1); short protein forms T1213fs, T299fs.
Identifiers: ClinVar variation 3342546 (VCV003342546.1).